The following is an entry in ClinVar:

ClinVar aggregate classification (germline): Likely benign. Review status: criteria provided, multiple submitters, no conflicts (2 of 4 stars). 3 submissions from 3 submitters: Likely benign (3). Last evaluated 2026-01-24.

Conditions:
Retinitis pigmentosa 71 (RP71). Identifiers: Orphanet 791, MedGen C4225342, MONDO:0014618, OMIM 616394.
Short-rib thoracic dysplasia 10 with or without polydactyly (SRTD10). Identifiers: Orphanet 474, MedGen C3810175, MONDO:0014284, OMIM 615630.

Allele frequency attached by ClinVar (database versions not stated): ESP Exome Variant Server 0.00015; 1000 Genomes Project 30x 0.00016; 1000 Genomes Project 0.00020; gnomAD 0.00025; ExAC 0.00026; TOPMed 0.00040; gnomAD exomes 0.00075.
gnomAD v4.1: 1,152 of 1,606,254 alleles (0.072%); highest among the groups gnomAD compares: Non-Finnish European, 0.093%; 1 homozygote.

Submissions (3):

Labcorp Genetics (formerly Invitae), Labcorp
Classification: Likely benign for Retinitis pigmentosa 71; Short-rib thoracic dysplasia 10 with or without polydactyly. Last evaluated: 2026-01-24. Review status: criteria provided, single submitter. Criteria: Invitae Variant Classification Sherloc (09022015). Collection method: clinical testing. Allele origin: germline.

Blueprint Genetics
Classification: Likely benign. Last evaluated: 2024-10-31. Review status: criteria provided, single submitter. Criteria: ACMG Guidelines, 2015. Collection method: clinical testing. Allele origin: germline.

GeneDx
Classification: Likely benign. Last evaluated: 2016-09-23. Review status: criteria provided, single submitter. Criteria: GeneDx Variant Classification (06012015). Collection method: clinical testing. Allele origin: germline. Affected: yes.
Comment: This variant is considered likely benign or benign based on one or more of the following criteria: it is a conservative change, it occurs at a poorly conserved position in the protein, it is predicted to be benign by multiple in silico algorithms, and/or has population frequency not consistent with disease.

NM_015662.3(IFT172):c.3711+13A>T

Genes: IFT172 (intraflagellar transport 172; minus strand), LOC126806173 (BRD4-independent group 4 enhancer GRCh37_chr2:27676057-27677256; plus strand). Cytogenetic location: 2p23.3.
Variant type: single nucleotide variant.
Coding change: c.3711+13A>T on transcript NM_015662.3 (MANE Select); 13 bases into the intron after coding-DNA position 3711, A replaced by T.
Molecular consequence: intron variant.
Genome position (GRCh38, 1-based): chr2:27,453,969, T>A on the plus strand (A>T on the coding strand, the complement: IFT172 is on the minus strand). VCF-style: chr2-27453969-T-A. GRCh37 (hg19) VCF-style: chr2-27676836-T-A.
Identifiers: ClinVar variation 389494 (VCV000389494.9), dbSNP rs371208266, ClinGen allele CA1579898.